The following is an entry in ClinVar:

NM_004608.4(TBX6):c.739A>T (p.Ile247Phe)

Gene: TBX6 (T-box transcription factor 6; minus strand). Cytogenetic location: 16p11.2.
Variant type: single nucleotide variant.
Coding change: c.739A>T on transcript NM_004608.4 (MANE Select); coding-DNA position 739, A replaced by T.
Protein change: p.Ile247Phe; replaces isoleucine 247 with phenylalanine.
Molecular consequence: missense variant.
Genome position (GRCh38, 1-based): chr16:30,088,722, T>A on the plus strand (A>T on the coding strand, the complement: TBX6 is on the minus strand). VCF-style: chr16-30088722-T-A. GRCh37 (hg19) VCF-style: chr16-30100043-T-A.
Other names: short protein forms I247F.
Identifiers: ClinVar variation 1349757 (VCV001349757.8), dbSNP rs2151032512, ClinGen allele CA395518297.

ClinVar aggregate classification (germline): Uncertain significance (1 of 4 stars; one submission).

Submission:

Labcorp Genetics (formerly Invitae), Labcorp
Classification: Uncertain significance. Last evaluated: 2022-11-01. Review status: criteria provided, single submitter. Criteria: Invitae Variant Classification Sherloc (09022015). Collection method: clinical testing. Allele origin: germline.
Comment: In summary, the available evidence is currently insufficient to determine the role of this variant in disease. Therefore, it has been classified as a Variant of Uncertain Significance. Advanced modeling of protein sequence and biophysical properties (such as structural, functional, and spatial information, amino acid conservation, physicochemical variation, residue mobility, and thermodynamic stability) performed at Invitae indicates that this missense variant is not expected to disrupt TBX6 protein function. ClinVar contains an entry for this variant (Variation ID: 1349757). This variant has not been reported in the literature in individuals affected with TBX6-related conditions. This variant is not present in population databases (gnomAD no frequency). This sequence change replaces isoleucine, which is neutral and non-polar, with phenylalanine, which is neutral and non-polar, at codon 247 of the TBX6 protein (p.Ile247Phe).